The following is an entry in ClinVar:

NM_001388453.1(QRICH2):c.4408A>G (p.Lys1470Glu)

Gene: QRICH2 (glutamine rich 2; minus strand). Cytogenetic location: 17q25.1.
Variant type: single nucleotide variant.
Coding change: c.4408A>G on transcript NM_001388453.1 (MANE Select); coding-DNA position 4408, A replaced by G.
Protein change: p.Lys1470Glu; replaces lysine 1470 with glutamic acid.
Molecular consequence: missense variant. On other transcripts: non-coding transcript variant (1).
Genome position (GRCh38, 1-based): chr17:76,280,707, T>C on the plus strand (A>G on the coding strand, the complement: QRICH2 is on the minus strand). VCF-style: chr17-76280707-T-C. GRCh37 (hg19) VCF-style: chr17-74276788-T-C.
Other names: c.4408A>G, p.Lys1470Glu (NM_032134.3); c.3910A>G (NM_032134.2); short protein forms K1470E.
Identifiers: ClinVar variation 2648305 (VCV002648305.25), dbSNP rs61759535, ClinGen allele CA8783525.

ClinVar aggregate classification (germline): Benign. Review status: criteria provided, single submitter (1 of 4 stars). 2 submissions from 2 submitters: Benign (1). 1 of the submissions does not count toward it. Last evaluated 2024-01-01.

Conditions:
QRICH2-related disorder. Also called: QRICH2-related condition.

Allele frequency attached by ClinVar (database versions not stated): 1000 Genomes Project 0.00479; 1000 Genomes Project 30x 0.00484; ESP Exome Variant Server 0.00484; TOPMed 0.00546; ExAC 0.00799; gnomAD 0.00837; gnomAD exomes 0.00911.

Submissions (2):

CeGaT Center for Human Genetics Tuebingen
Classification: Benign. Last evaluated: 2024-01-01. Review status: criteria provided, single submitter. Criteria: CeGaT Center For Human Genetics Tuebingen Variant Classification Criteria Version 2. Collection method: clinical testing. Allele origin: germline. Affected: yes. Observed: 3 variant alleles.
Comment: QRICH2: BP4, BS1, BS2

PreventionGenetics, part of Exact Sciences
Classification: Benign for QRICH2-related condition. Last evaluated: 2024-04-17. Review status: no assertion criteria provided. Collection method: clinical testing. Allele origin: germline. Not counted in ClinVar's aggregate classification.
Comment: This variant is classified as benign based on ACMG/AMP sequence variant interpretation guidelines (Richards et al. 2015 PMID: 25741868, with internal and published modifications).